The following is an entry in ClinVar:

ClinVar aggregate classification (germline): Uncertain significance (1 of 4 stars; one submission).

Submission:

Women's Health and Genetics/Laboratory Corporation of America, LabCorp
Classification: Uncertain significance. Last evaluated: 2024-06-03. Review status: criteria provided, single submitter. Criteria: LabCorp Variant Classification Summary - May 2015. Collection method: clinical testing. Allele origin: germline.
Comment: Variant summary: RPE65 c.713C>G (p.Ser238Cys) results in a non-conservative amino acid change in the encoded protein sequence. Five of five in-silico tools predict a damaging effect of the variant on protein function. The variant was absent in 251370 control chromosomes (gnomAD). c.713C>G has been reported in the literature in individuals affected with Fundus albipunctatus (Li_2019). These data indicate that the variant may be associated with disease. To our knowledge, no experimental evidence demonstrating an impact on protein function has been reported. The following publication has been ascertained in the context of this evaluation (PMID: 31273949). No submitters have cited clinical-significance assessments for this variant to ClinVar. Based on the evidence outlined above, the variant was classified as VUS-possibly pathogenic.

Literature cited by the submitters: PubMed 31273949.

NM_000329.3(RPE65):c.713C>G (p.Ser238Cys)

Gene: RPE65 (retinoid isomerohydrolase RPE65; minus strand). Cytogenetic location: 1p31.3.
Variant type: single nucleotide variant.
Coding change: c.713C>G on transcript NM_000329.3 (MANE Select); coding-DNA position 713, C replaced by G.
Protein change: p.Ser238Cys; replaces serine 238 with cysteine.
Molecular consequence: missense variant.
Genome position (GRCh38, 1-based): chr1:68,439,573, G>C on the plus strand (C>G on the coding strand, the complement: RPE65 is on the minus strand). VCF-style: chr1-68439573-G-C. GRCh37 (hg19) VCF-style: chr1-68905256-G-C.
Other names: c.713C>G, p.Ser238Cys (NM_001406859.1); c.605C>G, p.Ser202Cys (NM_001406853.1); c.437C>G, p.Ser146Cys (NM_001406856.1, NM_001406857.1); short protein forms S146C, S202C, S238C.
Identifiers: ClinVar variation 3339759 (VCV003339759.1).